The following is an entry in ClinVar:

NM_024426.6(WT1):c.1200C>T (p.Tyr400=)

Gene: WT1 (WT1 transcription factor; minus strand). Cytogenetic location: 11p13.
Variant type: single nucleotide variant.
Coding change: c.1200C>T on transcript NM_024426.6 (MANE Select); coding-DNA position 1200, C replaced by T.
Protein change: p.Tyr400=; no amino-acid change (tyrosine 400 retained).
Molecular consequence: synonymous variant. On other transcripts: non-coding transcript variant (2).
Genome position (GRCh38, 1-based): chr11:32,396,321, G>A on the plus strand (C>T on the coding strand, the complement: WT1 is on the minus strand). VCF-style: chr11-32396321-G-A. GRCh37 (hg19) VCF-style: chr11-32417867-G-A.
Other names: c.1149C>T, p.Tyr383= (NM_000378.6, NM_001407045.1, NM_001407048.1 and 1 more transcripts); c.549C>T, p.Tyr183= (NM_001198551.2); c.498C>T, p.Tyr166= (NM_001198552.2); c.12C>T, p.Tyr4= (NM_001367854.1); c.1194C>T, p.Tyr398= (NM_001407044.1); c.1200C>T, p.Tyr400= (NM_001407046.1, NM_024424.5); c.1077C>T, p.Tyr359= (NM_001407047.1); c.1026C>T, p.Tyr342= (NM_001407050.1); and 2 more.
Identifiers: ClinVar variation 304418 (VCV000304418.21), dbSNP rs886048227, ClinGen allele CA10634685.

ClinVar aggregate classification (germline): Conflicting classifications of pathogenicity. Review status: criteria provided, conflicting classifications (1 of 4 stars). 8 submissions from 6 submitters: Uncertain significance (3); Likely benign (5). Last evaluated 2024-11-26.

Conditions:
Nephrotic syndrome, type 4 (NPHS4). Also called: Familial mesangial sclerosis; Nephrotic syndrome, early onset with diffuse mesangial sclerosis. Identifiers: Orphanet 656, MedGen C3151568, MONDO:0009733, OMIM 256370.
Drash syndrome (DDS). Also called: NEPHROPATHY, WILMS TUMOR, AND GENITAL ANOMALIES; WILMS TUMOR AND PSEUDO- OR TRUE HERMAPHRODITISM. Identifiers: Orphanet 220, MedGen C0950121, MONDO:0008682, OMIM 194080.
Frasier syndrome. Identifiers: Orphanet 347, MedGen C0950122, MeSH D052159, MONDO:0007635, OMIM 136680.
Wilms tumor 1 (WT1). Also called: Wilms tumor, somatic. Identifiers: Orphanet 654, MedGen CN033288, MONDO:0008679, OMIM 194070.
11p partial monosomy syndrome (WAGR). Also called: CHROMOSOME 11p13 DELETION SYNDROME; WAGR Spectrum Disorder; WAGR syndrome; WAGR Complex. Identifiers: Orphanet 893, MedGen C0206115, MONDO:0008681, OMIM 194072.
Inborn genetic diseases. Identifiers: MedGen C0950123, MeSH D030342.
Meacham syndrome. Also called: Meacham Winn Culler syndrome. Identifiers: Orphanet 3097, MedGen C1837026, MONDO:0012164, OMIM 608978.

Allele frequency attached by ClinVar (database versions not stated): gnomAD exomes below 0.00001.
gnomAD v4.1: 2 of 1,614,198 alleles (0.00012%); highest among the groups gnomAD compares: Non-Finnish European, 0.00017%; no homozygotes.

Submissions (8):

Ambry Genetics
Classification: Likely benign for Inborn genetic diseases. Last evaluated: 2024-11-26. Review status: criteria provided, single submitter. Criteria: Ambry Variant Classification Scheme 2023. Collection method: clinical testing. Allele origin: germline.

Labcorp Genetics (formerly Invitae), Labcorp
Classification: Likely benign for Wilms tumor 1; Drash syndrome; 11p partial monosomy syndrome; Frasier syndrome. Last evaluated: 2023-07-19. Review status: criteria provided, single submitter. Criteria: Invitae Variant Classification Sherloc (09022015). Collection method: clinical testing. Allele origin: germline.

All of Us Research Program, National Institutes of Health
Classification: Likely benign for Wilms tumor 1. Last evaluated: 2023-06-28. Review status: criteria provided, single submitter. Criteria: ACMG Guidelines, 2015. Collection method: clinical testing. Allele origin: germline. Inheritance: Autosomal dominant inheritance. Observed: 3 variant alleles, 3 heterozygotes.
Comment: This study involves interpretation of variants in research participants for the purpose of population health screening. Participant phenotype was not available at the time of variant classification. Additional details can be found in publication PMID: 35346344, PMCID: PMC8962531

Blueprint Genetics
Classification: Likely benign. Last evaluated: 2023-05-02. Review status: criteria provided, single submitter. Criteria: ACMG Guidelines, 2015. Collection method: clinical testing. Allele origin: germline.

Color Diagnostics, LLC DBA Color Health
Classification: Likely benign for Wilms tumor 1. Last evaluated: 2023-03-08. Review status: criteria provided, single submitter. Criteria: ACMG Guidelines, 2015. Collection method: clinical testing. Allele origin: germline.

Illumina Laboratory Services, Illumina
Classification: Uncertain significance for Meacham syndrome. Last evaluated: 2018-01-12. Review status: criteria provided, single submitter. Criteria: ICSL Variant Classification Criteria 13 December 2019. Collection method: clinical testing. Allele origin: germline.

Illumina Laboratory Services, Illumina
Classification: Uncertain significance for Nephrotic syndrome, type 4. Last evaluated: 2018-01-12. Review status: criteria provided, single submitter. Criteria: ICSL Variant Classification Criteria 13 December 2019. Collection method: clinical testing. Allele origin: germline.

Illumina Laboratory Services, Illumina
Classification: Uncertain significance for Wilms tumor 1. Last evaluated: 2018-01-12. Review status: criteria provided, single submitter. Criteria: ICSL Variant Classification Criteria 13 December 2019. Collection method: clinical testing. Allele origin: germline.